The following is an entry in ClinVar:

ClinVar aggregate classification (germline): Uncertain significance (1 of 4 stars; one submission).

gnomAD v4.1: 2 of 1,611,860 alleles (0.00012%); highest among the groups gnomAD compares: Non-Finnish European, 0.00017%; no homozygotes.

Submission:

GeneDx
Classification: Uncertain significance. Last evaluated: 2026-02-11. Review status: criteria provided, single submitter. Criteria: GeneDx Variant Classification Process June 2021. Collection method: clinical testing. Allele origin: germline.
Comment: Not observed at significant frequency in large population cohorts (gnomAD); In silico analysis supports that this missense variant has a deleterious effect on protein structure/function; Has not been previously published as pathogenic or benign to our knowledge

NM_003108.4(SOX11):c.58G>C (p.Asp20His)

Gene: SOX11 (SRY-box transcription factor 11; plus strand). Cytogenetic location: 2p25.2.
Variant type: single nucleotide variant.
Coding change: c.58G>C on transcript NM_003108.4 (MANE Select); coding-DNA position 58, G replaced by C.
Protein change: p.Asp20His; replaces aspartic acid 20 with histidine.
Molecular consequence: missense variant.
Genome position (GRCh38, 1-based): chr2:5,692,779, G>C. VCF-style: chr2-5692779-G-C. GRCh37 (hg19) VCF-style: chr2-5832911-G-C.
Other names: short protein forms D20H.
Identifiers: ClinVar variation 4976400 (VCV004976400.1).